The following is an entry in ClinVar:

NC_000023.10:g.(?_32536105)_(32614013_?)del

Gene: DMD (dystrophin; minus strand). Cytogenetic location: Xp21.1.
Variant type: Deletion.
Identifiers: ClinVar variation 2424824 (VCV002424824.4).

ClinVar aggregate classification (germline): Pathogenic (1 of 4 stars; one submission).

Conditions:
Duchenne muscular dystrophy (DMD). Also called: Duchenne Muscular Dystrophy (DMD); MUSCULAR DYSTROPHY, PSEUDOHYPERTROPHIC PROGRESSIVE, DUCHENNE TYPE. Identifiers: Orphanet 98896, MedGen C0013264, MONDO:0010679, OMIM 310200.

Submission:

Labcorp Genetics (formerly Invitae), Labcorp
Classification: Pathogenic for Duchenne muscular dystrophy. Last evaluated: 2021-08-12. Review status: criteria provided, single submitter. Criteria: Invitae Variant Classification Sherloc (09022015). Collection method: clinical testing. Allele origin: germline.
Comment: This variant is a gross deletion of the genomic region encompassing exon(s) 13-18 of the DMD gene. This variant would be expected to be in-frame, preserving the integrity of the reading frame. A similar copy number variant has been observed in individual(s) with Becker muscular dystrophy (PMID: 8628480). This variant disrupts a region of the DMD protein in which other variant(s) (Deletion (Exon 13)) have been determined to be pathogenic (PMID: 18353051, 22379338, 28116794, 28610567). This suggests that this is a clinically significant region of the protein, and that variants that disrupt it are likely to be disease-causing. For these reasons, this variant has been classified as Pathogenic.

Literature cited by the submitters: PubMed 8628480; PubMed 18353051; PubMed 22379338; PubMed 28116794; PubMed 28610567.